The following is an entry in ClinVar:

NM_000395.3(CSF2RB):c.271T>C (p.Cys91Arg)

Genes: CSF2RB (colony stimulating factor 2 receptor subunit beta; plus strand), LOC126863140 (BRD4-independent group 4 enhancer GRCh37_chr22:37321546-37322745; plus strand). Cytogenetic location: 22q12.3.
Variant type: single nucleotide variant.
Coding change: c.271T>C on transcript NM_000395.3 (MANE Select); coding-DNA position 271, T replaced by C.
Protein change: p.Cys91Arg; replaces cysteine 91 with arginine.
Molecular consequence: missense variant.
Genome position (GRCh38, 1-based): chr22:36,926,057, T>C. VCF-style: chr22-36926057-T-C. GRCh37 (hg19) VCF-style: chr22-37322099-T-C.
Other names: c.271T>C, p.Cys91Arg (NM_001410827.1); short protein forms C91R.
Identifiers: ClinVar variation 3572457 (VCV003572457.1).
Genomic context (GRCh38, chr22:36,926,057, plus strand): 5'-GAGCCAGTGTCCTGTGACCTCAGTGATGACATGCCCTGGTCAGCCTGCCCCCATCCCCGC[T>C]GCGTGCCCAGGAGATGTGTCATTCCCTGCCAGAGTTTTGTCGTCACTGACGTTGACTACT-3'
Protein context (NP_000386.1, residues 81-101): MPWSACPHPR[Cys91Arg]VPRRCVIPCQ

ClinVar aggregate classification (germline): Uncertain significance (1 of 4 stars; one submission).

Submission:

GeneDx
Classification: Uncertain significance. Last evaluated: 2024-07-13. Review status: criteria provided, single submitter. Criteria: GeneDx Variant Classification Process June 2021. Collection method: clinical testing. Allele origin: germline. Affected: yes.
Comment: Not observed at significant frequency in large population cohorts (gnomAD); In silico analysis supports that this missense variant has a deleterious effect on protein structure/function; Has not been previously published as pathogenic or benign to our knowledge